The following is an entry in ClinVar:

ClinVar aggregate classification (germline): Uncertain significance (1 of 4 stars; one submission).

Submission:

Labcorp Genetics (formerly Invitae), Labcorp
Classification: Uncertain significance. Last evaluated: 2022-07-12. Review status: criteria provided, single submitter. Criteria: Invitae Variant Classification Sherloc (09022015). Collection method: clinical testing. Allele origin: germline.
Comment: ClinVar contains an entry for this variant (Variation ID: 1477000). This variant has not been reported in the literature in individuals affected with KATNB1-related conditions. This variant is not present in population databases (gnomAD no frequency). This sequence change replaces serine, which is neutral and polar, with phenylalanine, which is neutral and non-polar, at codon 527 of the KATNB1 protein (p.Ser527Phe). Advanced modeling of protein sequence and biophysical properties (such as structural, functional, and spatial information, amino acid conservation, physicochemical variation, residue mobility, and thermodynamic stability) performed at Invitae indicates that this missense variant is not expected to disrupt KATNB1 protein function. In summary, the available evidence is currently insufficient to determine the role of this variant in disease. Therefore, it has been classified as a Variant of Uncertain Significance.

NM_005886.3(KATNB1):c.1580C>T (p.Ser527Phe)

Gene: KATNB1 (katanin regulatory subunit B1; plus strand). Cytogenetic location: 16q21.
Variant type: single nucleotide variant.
Coding change: c.1580C>T on transcript NM_005886.3 (MANE Select); coding-DNA position 1580, C replaced by T.
Protein change: p.Ser527Phe; replaces serine 527 with phenylalanine.
Molecular consequence: missense variant.
Genome position (GRCh38, 1-based): chr16:57,755,854, C>T. VCF-style: chr16-57755854-C-T. GRCh37 (hg19) VCF-style: chr16-57789766-C-T.
Other names: short protein forms S527F.
Identifiers: ClinVar variation 1477000 (VCV001477000.6), dbSNP rs2148796763, ClinGen allele CA396073532.